The following is an entry in ClinVar:

NM_138289.4(ACTRT1):c.118G>A (p.Gly40Arg)

Gene: ACTRT1 (actin related protein T1; minus strand). Cytogenetic location: Xq25.
Variant type: single nucleotide variant.
Coding change: c.118G>A on transcript NM_138289.4 (MANE Select); coding-DNA position 118, G replaced by A.
Protein change: p.Gly40Arg; replaces glycine 40 with arginine.
Molecular consequence: missense variant.
Genome position (GRCh38, 1-based): chrX:128,052,089, C>T on the plus strand (G>A on the coding strand, the complement: ACTRT1 is on the minus strand). VCF-style: chrX-128052089-C-T. GRCh37 (hg19) VCF-style: chrX-127186068-C-T.
Other names: short protein forms G40R.
Identifiers: ClinVar variation 2661387 (VCV002661387.24), dbSNP rs375823292, ClinGen allele CA10511335.

ClinVar aggregate classification (germline): Likely benign (1 of 4 stars; one submission).

Allele frequency attached by ClinVar (database versions not stated): gnomAD exomes 0.00008; ExAC 0.00009; ESP Exome Variant Server 0.00009; TOPMed 0.00009; gnomAD 0.00015.
gnomAD v4.1: 105 of 1,209,963 alleles (0.0087%); highest among the groups gnomAD compares: Middle Eastern, 0.14%; no homozygotes.

Submission:

CeGaT Center for Human Genetics Tuebingen
Classification: Likely benign. Last evaluated: 2022-08-01. Review status: criteria provided, single submitter. Criteria: CeGaT Center For Human Genetics Tuebingen Variant Classification Criteria Version 2. Collection method: clinical testing. Allele origin: germline. Affected: yes. Observed: 1 variant allele.
Comment: ACTRT1: BS2